The following is an entry in ClinVar:

ClinVar aggregate classification (germline): Benign. Review status: criteria provided, multiple submitters, no conflicts (2 of 4 stars). 4 submissions from 4 submitters: Benign (3). 1 of the submissions does not count toward it. Last evaluated 2019-12-31.

Conditions:
KIF21A-related disorder. Also called: KIF21A-related condition.
Congenital fibrosis of extraocular muscles type 1. Also called: CFEOM3B; BLEPHAROPTOSIS WITH ABSENT EYE MOVEMENTS; OPHTHALMOPLEGIA, CONGENITAL; FEOM1 LOCUS. Identifiers: MedGen C1851102, MONDO:0021083, OMIM 135700.

Allele frequency attached by ClinVar (database versions not stated): TOPMed 0.00482; 1000 Genomes Project 0.00739; gnomAD exomes 0.00342 and 0.00746; ExAC 0.00692; gnomAD 0.00359 and 0.00421; ESP Exome Variant Server 0.00138; 1000 Genomes Project 30x 0.00687.
gnomAD v4.1: 5,532 of 1,561,906 alleles (0.35%); highest among the groups gnomAD compares: East Asian, 5%; 78 homozygotes.

Submissions (4):

Labcorp Genetics (formerly Invitae), Labcorp
Classification: Benign. Last evaluated: 2019-12-31. Review status: criteria provided, single submitter. Criteria: Invitae Variant Classification Sherloc (09022015). Collection method: clinical testing. Allele origin: germline.

Illumina Laboratory Services, Illumina
Classification: Benign for Congenital fibrosis of extraocular muscles type 1. Last evaluated: 2018-01-13. Review status: criteria provided, single submitter. Criteria: ICSL Variant Classification Criteria 13 December 2019. Collection method: clinical testing. Allele origin: germline.
Comment: This variant was observed in the ICSL laboratory as part of a predisposition screen in an ostensibly healthy population. It had not been previously curated by ICSL or reported in the Human Gene Mutation Database (HGMD: prior to June 1st, 2018), and was therefore a candidate for classification through an automated scoring system. Utilizing variant allele frequency, disease prevalence and penetrance estimates, and inheritance mode, an automated score was calculated to assess if this variant is too frequent to cause the disease. Based on the score and internal cut-off values, a variant classified as benign is not then subjected to further curation. The score for this variant resulted in a classification of benign for this disease.

Breakthrough Genomics
Classification: Benign. Review status: criteria provided, single submitter. Criteria: ACMG Guidelines, 2015. Collection method: not provided. Allele origin: germline. Inheritance: Autosomal dominant inheritance. Affected: yes.

PreventionGenetics, part of Exact Sciences
Classification: Benign for KIF21A-related condition. Last evaluated: 2019-04-15. Review status: no assertion criteria provided. Collection method: clinical testing. Allele origin: germline. Not counted in ClinVar's aggregate classification.
Comment: This variant is classified as benign based on ACMG/AMP sequence variant interpretation guidelines (Richards et al. 2015 PMID: 25741868, with internal and published modifications).

NM_001173464.2(KIF21A):c.4542C>G (p.Ser1514=)

Gene: KIF21A (kinesin family member 21A; minus strand). Cytogenetic location: 12q12.
Variant type: single nucleotide variant.
Coding change: c.4542C>G on transcript NM_001173464.2 (MANE Select); coding-DNA position 4542, C replaced by G.
Protein change: p.Ser1514=; no amino-acid change (serine 1514 retained).
Molecular consequence: synonymous variant.
Genome position (GRCh38, 1-based): chr12:39,304,839, G>C on the plus strand (C>G on the coding strand, the complement: KIF21A is on the minus strand). VCF-style: chr12-39304839-G-C. GRCh37 (hg19) VCF-style: chr12-39698641-G-C.
Other names: c.4431C>G, p.Ser1477= (NM_001173463.2); c.4383C>G, p.Ser1461= (NM_001173465.2); c.4503C>G, p.Ser1501= (NM_017641.4); c.4542C>G (NM_001173464.1).
Identifiers: ClinVar variation 308548 (VCV000308548.12), dbSNP rs11171689, ClinGen allele CA6510152.